The following is an entry in ClinVar:

NM_001287.6(CLCN7):c.2030G>T (p.Gly677Val)

Gene: CLCN7 (Cl-/H+ antiporter 7; minus strand). Cytogenetic location: 16p13.3.
Variant type: single nucleotide variant.
Coding change: c.2030G>T on transcript NM_001287.6 (MANE Select); coding-DNA position 2030, G replaced by T.
Protein change: p.Gly677Val; replaces glycine 677 with valine.
Molecular consequence: missense variant.
Genome position (GRCh38, 1-based): chr16:1,447,698, C>A on the plus strand (G>T on the coding strand, the complement: CLCN7 is on the minus strand). VCF-style: chr16-1447698-C-A. GRCh37 (hg19) VCF-style: chr16-1497699-C-A.
Other names: c.1958G>T, p.Gly653Val (NM_001114331.3); short protein forms G677V, G653V.
Identifiers: ClinVar variation 1482073 (VCV001482073.11), dbSNP rs2142366157, ClinGen allele CA394185925.

ClinVar aggregate classification (germline): Conflicting classifications of pathogenicity. Review status: criteria provided, conflicting classifications (1 of 4 stars). 3 submissions from 3 submitters: Pathogenic (1); Likely pathogenic (1); Uncertain significance (1). Last evaluated 2025-12-02.

Conditions:
CLCN7-related disorder. Also called: CLCN7-related condition.
Disorder of bone. Also called: Bone disorder; Rare bone disease related to a common gene or pathway defect; Bone disease. Identifiers: Orphanet 364803, MedGen C0005940, MONDO:0005381.

Submissions (3):

Labcorp Genetics (formerly Invitae), Labcorp
Classification: Pathogenic. Last evaluated: 2025-12-02. Review status: criteria provided, single submitter. Criteria: Invitae Variant Classification Sherloc (09022015). Collection method: clinical testing. Allele origin: germline.
Comment: This sequence change replaces glycine, which is neutral and non-polar, with valine, which is neutral and non-polar, at codon 677 of the CLCN7 protein (p.Gly677Val). This variant is not present in population databases (gnomAD no frequency). This missense change has been observed in individuals with clinical features of autosomal dominant osteopetrosis (PMID: 14584882; internal data). ClinVar contains an entry for this variant (Variation ID: 1482073). Invitae Evidence Modeling of protein sequence and biophysical properties (such as structural, functional, and spatial information, amino acid conservation, physicochemical variation, residue mobility, and thermodynamic stability) indicates that this missense variant is expected to disrupt CLCN7 protein function with a positive predictive value of 95%. For these reasons, this variant has been classified as Pathogenic.

Genome Diagnostics Laboratory, The Hospital for Sick Children
Classification: Uncertain significance for Disorder of bone. Last evaluated: 2025-05-12. Review status: criteria provided, single submitter. Criteria: ACMG Guidelines, 2015. Collection method: clinical testing. Allele origin: germline. Affected: yes.
Comment: This missense variant results in a change of glycine to valine at position 677, and in silico programs predict this variant to be damaging. This variant was observed in a heterozygous state in two siblings with osteopetrosis (PMID:14584882); This variant was not observed in populations of the Genome Aggregation Database (gnomAD). Based on the evidence above, this variant is classified as a variant of uncertain significance (ACMG criteria - PM2, PP3)

Blueprint Genetics
Classification: Likely pathogenic for CLCN7-related disorders. Last evaluated: 2019-12-11. Review status: criteria provided, single submitter. Criteria: ACMG Guidelines, 2015. Collection method: clinical testing. Allele origin: germline. Affected: yes. Observed: 1 variant allele.

Literature cited by the submitters: PubMed 14584882 (cited by Labcorp Genetics (formerly Invitae), Labcorp and Genome Diagnostics Laboratory, The Hospital for Sick Children).